The following is an entry in ClinVar:

ClinVar aggregate classification (germline): Uncertain significance (1 of 4 stars; one submission).

Conditions:
Leigh syndrome (NULS). Also called: Leigh's syndrome; Leigh Disease; Leigh Syndrome (mtDNA deletion); Subacute necrotizing encephalopathy; Necrotizing encephalopathy infantile subacute of Leigh; LEIGH SYNDROME, NUCLEAR. Identifiers: Orphanet 506, MedGen C2931891, MONDO:0009723, OMIM 256000.

gnomAD v4.1: 3 of 1,381,036 alleles (0.00022%); highest among the groups gnomAD compares: South Asian, 0.0016%; no homozygotes.

Submission:

Labcorp Genetics (formerly Invitae), Labcorp
Classification: Uncertain significance for Leigh syndrome. Last evaluated: 2022-06-27. Review status: criteria provided, single submitter. Criteria: Invitae Variant Classification Sherloc (09022015). Collection method: clinical testing. Allele origin: germline.
Comment: In summary, the available evidence is currently insufficient to determine the role of this variant in disease. Therefore, it has been classified as a Variant of Uncertain Significance. Algorithms developed to predict the effect of missense changes on protein structure and function output the following: SIFT: "Deleterious"; PolyPhen-2: "Not Available"; Align-GVGD: "Class C0". The proline amino acid residue is found in multiple mammalian species, which suggests that this missense change does not adversely affect protein function. ClinVar contains an entry for this variant (Variation ID: 1058876). This variant has not been reported in the literature in individuals affected with SURF1-related conditions. This variant is not present in population databases (gnomAD no frequency). This sequence change replaces leucine, which is neutral and non-polar, with proline, which is neutral and non-polar, at codon 11 of the SURF1 protein (p.Leu11Pro).

NM_003172.4(SURF1):c.32T>C (p.Leu11Pro)

Gene: SURF1 (SURF1 cytochrome c oxidase assembly factor; minus strand). Cytogenetic location: 9q34.2.
Variant type: single nucleotide variant.
Coding change: c.32T>C on transcript NM_003172.4 (MANE Select); coding-DNA position 32, T replaced by C.
Protein change: p.Leu11Pro; replaces leucine 11 with proline.
Molecular consequence: missense variant. On other transcripts: 5 prime UTR variant (1).
Genome position (GRCh38, 1-based): chr9:133,356,422, A>G on the plus strand (T>C on the coding strand, the complement: SURF1 is on the minus strand). VCF-style: chr9-133356422-A-G. GRCh37 (hg19) VCF-style: chr9-136223298-A-G.
Other names: c.-244T>C (NM_001280787.1); short protein forms L11P.
Identifiers: ClinVar variation 1058876 (VCV001058876.9), dbSNP rs1773521003, ClinGen allele CA375695161.